The following is an entry in ClinVar:

NM_001023570.4(IQCB1):c.550G>A (p.Val184Ile)

Gene: IQCB1 (IQ motif containing B1; minus strand). Cytogenetic location: 3q13.33.
Variant type: single nucleotide variant.
Coding change: c.550G>A on transcript NM_001023570.4 (MANE Select); coding-DNA position 550, G replaced by A.
Protein change: p.Val184Ile; replaces valine 184 with isoleucine.
Molecular consequence: missense variant. On other transcripts: non-coding transcript variant (1).
Genome position (GRCh38, 1-based): chr3:121,807,381, C>T on the plus strand (G>A on the coding strand, the complement: IQCB1 is on the minus strand). VCF-style: chr3-121807381-C-T. GRCh37 (hg19) VCF-style: chr3-121526228-C-T.
Other names: c.550G>A, p.Val184Ile (NM_001023571.4, NM_001319107.2); short protein forms V184I.
Identifiers: ClinVar variation 2134258 (VCV002134258.4), dbSNP rs1949640772, ClinGen allele CA354105450.

ClinVar aggregate classification (germline): Uncertain significance (1 of 4 stars; one submission).

Conditions:
Nephronophthisis. Also called: Juvenile Nephronophthisis. Identifiers: Orphanet 655, MedGen C0687120, MONDO:0019005, HP:0000090.

Submission:

Labcorp Genetics (formerly Invitae), Labcorp
Classification: Uncertain significance for Nephronophthisis. Last evaluated: 2022-05-05. Review status: criteria provided, single submitter. Criteria: Invitae Variant Classification Sherloc (09022015). Collection method: clinical testing. Allele origin: germline.
Comment: This sequence change replaces valine, which is neutral and non-polar, with isoleucine, which is neutral and non-polar, at codon 184 of the IQCB1 protein (p.Val184Ile). This variant is not present in population databases (gnomAD no frequency). This variant has not been reported in the literature in individuals affected with IQCB1-related conditions. Algorithms developed to predict the effect of missense changes on protein structure and function output the following: SIFT: "Tolerated"; PolyPhen-2: "Benign"; Align-GVGD: "Class C0". The isoleucine amino acid residue is found in multiple mammalian species, which suggests that this missense change does not adversely affect protein function. In summary, the available evidence is currently insufficient to determine the role of this variant in disease. Therefore, it has been classified as a Variant of Uncertain Significance.